The following is an entry in ClinVar:

ClinVar aggregate classification (germline): Uncertain significance. Review status: criteria provided, single submitter (1 of 4 stars). 2 submissions from 2 submitters: Uncertain significance (1). 1 of the submissions does not count toward it. Last evaluated 2025-07-10.

Conditions:
Cerebellar ataxia, impaired intellectual development, and dysequilibrium syndrome 2. Also called: CEREBELLAR ATAXIA, MENTAL RETARDATION, AND DYSEQUILIBRIUM SYNDROME 2; CEREBELLAR ATAXIA AND MENTAL RETARDATION WITH OR WITHOUT QUADRUPEDAL LOCOMOTION 2; Cerebellar ataxia, intellectual disability, and dysequilibrium syndrome 2. Identifiers: Orphanet 1766, MedGen C2750234, MONDO:0012430, OMIM 610185.
WDR81-related disorder. Also called: WDR81-related condition.

Allele frequency attached by ClinVar (database versions not stated): gnomAD exomes 0.00003; TOPMed 0.00003; ExAC 0.00002; gnomAD 0.00002.

Submissions (2):

PreventionGenetics, part of Exact Sciences
Classification: Uncertain significance for WDR81-related condition. Last evaluated: 2025-07-10. Review status: criteria provided, single submitter. Criteria: ACMG Guidelines, 2015. Collection method: clinical testing. Allele origin: germline.
Comment: The WDR81 c.4085T>C variant is predicted to result in the amino acid substitution p.Met1362Thr. To our knowledge, this variant has not been reported in the literature. This variant is reported in 0.0062% of alleles in individuals of European (Non-Finnish) descent in gnomAD. At this time, the clinical significance of this variant is uncertain due to the absence of conclusive functional and genetic evidence.

Service de Génétique Moléculaire, Hôpital Robert Debré
Classification: Likely benign for Cerebellar ataxia, impaired intellectual development, and dysequilibrium syndrome 2. Review status: no assertion criteria provided. Collection method: clinical testing. Allele origin: unknown. Affected: yes. Not counted in ClinVar's aggregate classification.

NM_001163809.2(WDR81):c.4085T>C (p.Met1362Thr)

Gene: WDR81 (WD repeat domain 81; plus strand). Cytogenetic location: 17p13.3.
Variant type: single nucleotide variant.
Coding change: c.4085T>C on transcript NM_001163809.2 (MANE Select); coding-DNA position 4085, T replaced by C.
Protein change: p.Met1362Thr; replaces methionine 1362 with threonine.
Molecular consequence: missense variant.
Genome position (GRCh38, 1-based): chr17:1,731,186, T>C. VCF-style: chr17-1731186-T-C. GRCh37 (hg19) VCF-style: chr17-1634480-T-C.
Other names: c.476T>C, p.Met159Thr (NM_001163673.2); c.404T>C, p.Met135Thr (NM_001163811.2); c.932T>C, p.Met311Thr (NM_152348.4); short protein forms M135T, M1362T, M159T, M311T.
Identifiers: ClinVar variation 977894 (VCV000977894.2), dbSNP rs769778019, ClinGen allele CA8273442.